The following is an entry in ClinVar:

ClinVar aggregate classification (germline): Pathogenic (1 of 4 stars; one submission).

Conditions:
Blepharophimosis, ptosis, and epicanthus inversus syndrome. Identifiers: Orphanet 126, MedGen C0220663, MONDO:0007201, OMIM 110100.

Submission:

Genomic Diagnostic Laboratory, Division of Genomic Diagnostics, Children's Hospital of Philadelphia
Classification: Pathogenic for Blepharophimosis, ptosis, and epicanthus inversus syndrome. Last evaluated: 2016-11-03. Review status: criteria provided, single submitter. Criteria: DGD Variant Analysis Guidelines. Collection method: clinical testing. Allele origin: germline. Affected: yes. Observed: 1 variant allele.
Comment: Clinical Testing

NM_023067.4(FOXL2):c.338del (p.Ile113fs)

Gene: FOXL2 (forkhead box L2; minus strand). Cytogenetic location: 3q22.3.
Variant type: Deletion.
Coding change: c.338del on transcript NM_023067.4 (MANE Select); coding-DNA position 338, one base deleted (T; older notation c.338delT).
Protein change: p.Ile113fs; shifts the reading frame from isoleucine 113.
Molecular consequence: frameshift variant.
Genome position (GRCh38, 1-based): chr3:138,946,385, A deleted on the plus strand (T on the coding strand, the reverse complement: FOXL2 is on the minus strand). VCF-style (leftmost placement, unchanged base first): chr3-138946384-GA-G. GRCh37 (hg19) VCF-style: chr3-138665226-GA-G.
Other names: short protein forms I113fs.
Identifiers: ClinVar variation 369907 (VCV000369907.1), dbSNP rs1057516158, ClinGen allele CA10654887.
Genomic context (GRCh38, chr3:138,946,384, plus strand): 5'-GGCCGGGTCCAGCGTCCAGTAGTTGCCCTTGCGCTCGCCGCCGCCCTCGCGCGGCACCTT[GA>G]TGAAGCACTCGTTGAGGCTGAGGTTGTGGCGGATGCTATTTTGCCAGCCCTTCTTATTCT-3'